The following is an entry in ClinVar:

NM_020686.6(ABAT):c.170A>C (p.Glu57Ala)

Gene: ABAT (4-aminobutyrate aminotransferase; plus strand). Cytogenetic location: 16p13.2.
Variant type: single nucleotide variant.
Coding change: c.170A>C on transcript NM_020686.6 (MANE Select); coding-DNA position 170, A replaced by C.
Protein change: p.Glu57Ala; replaces glutamic acid 57 with alanine.
Molecular consequence: missense variant. On other transcripts: synonymous variant (1), intron variant (1).
Genome position (GRCh38, 1-based): chr16:8,748,109, A>C. VCF-style: chr16-8748109-A-C. GRCh37 (hg19) VCF-style: chr16-8841966-A-C.
Other names: c.170A>C, p.Glu57Ala (NM_000663.5, NM_001127448.2, NM_001386600.1 and 11 more transcripts); c.72A>C, p.Gly24= (NM_001386610.1); c.35A>C, p.Glu12Ala (NM_001386611.1, NM_001386612.1, NM_001386613.1); c.71-9648A>C (NM_001386614.1); short protein forms E57A, E12A.
Identifiers: ClinVar variation 857555 (VCV000857555.9), dbSNP rs539748102, ClinGen allele CA7893005.
Genomic context (GRCh38, chr16:8,748,109, plus strand): 5'-TAAGCTATTTTGGCAAGAGTGTGGACTTGCTATAATGCTTTTGTTGTTCTTGCCTGCAGG[A>C]GTTAATGAAACAGCTGAATATAATTCAGGTAAGTGAGGAGGAGGTAACTTTCCTTCTGTT-3'
Protein context (NP_065737.2, residues 47-67): KTEVPGPRSQ[Glu57Ala]LMKQLNIIQN

ClinVar aggregate classification (germline): Uncertain significance (1 of 4 stars; one submission).

Conditions:
Gamma-aminobutyric acid transaminase deficiency (GABATD). Also called: GABA aminotransaminase deficiency; GABA transaminase deficiency; Gamma aminobutyrate transaminase deficiency; 4 alpha aminobutyrate transaminase deficiency. Identifiers: Orphanet 2066, MedGen C0342708, MONDO:0013166, OMIM 613163.

Allele frequency attached by ClinVar (database versions not stated): gnomAD exomes below 0.00001; ExAC 0.00001; gnomAD 0.00001 and 0.00002; TOPMed 0.00001; 1000 Genomes Project 30x 0.00016; 1000 Genomes Project 0.00020.
gnomAD v4.1: 6 of 1,613,552 alleles (0.00037%); highest among the groups gnomAD compares: Admixed American, 0.0017%; no homozygotes.

Submission:

Labcorp Genetics (formerly Invitae), Labcorp
Classification: Uncertain significance for Gamma-aminobutyric acid transaminase deficiency. Last evaluated: 2025-02-17. Review status: criteria provided, single submitter. Criteria: Invitae Variant Classification Sherloc (09022015). Collection method: clinical testing. Allele origin: germline.
Comment: This sequence change replaces glutamic acid, which is acidic and polar, with alanine, which is neutral and non-polar, at codon 57 of the ABAT protein (p.Glu57Ala). This variant is present in population databases (rs539748102, gnomAD 0.0009%). This variant has not been reported in the literature in individuals affected with ABAT-related conditions. ClinVar contains an entry for this variant (Variation ID: 857555). An algorithm developed to predict the effect of missense changes on protein structure and function outputs the following: PolyPhen-2: "Benign". The alanine amino acid residue is found in multiple mammalian species, which suggests that this missense change does not adversely affect protein function. In summary, the available evidence is currently insufficient to determine the role of this variant in disease. Therefore, it has been classified as a Variant of Uncertain Significance.